The following is an entry in ClinVar:

NM_032608.7(MYO18B):c.5294A>G (p.Tyr1765Cys)

Gene: MYO18B (myosin XVIIIB; plus strand). Cytogenetic location: 22q12.1.
Variant type: single nucleotide variant.
Coding change: c.5294A>G on transcript NM_032608.7 (MANE Select); coding-DNA position 5294, A replaced by G.
Protein change: p.Tyr1765Cys; replaces tyrosine 1765 with cysteine.
Molecular consequence: missense variant.
Genome position (GRCh38, 1-based): chr22:25,910,980, A>G. VCF-style: chr22-25910980-A-G. GRCh37 (hg19) VCF-style: chr22-26306947-A-G.
Other names: c.5297A>G, p.Tyr1766Cys (NM_001318245.2); short protein forms Y1765C, Y1766C.
Identifiers: ClinVar variation 2192661 (VCV002192661.3), dbSNP rs755002043, ClinGen allele CA10161132.

ClinVar aggregate classification (germline): Uncertain significance (1 of 4 stars; one submission).

Allele frequency attached by ClinVar (database versions not stated): gnomAD exomes below 0.00001; ExAC 0.00002.
gnomAD v4.1: 6 of 1,603,268 alleles (0.00037%); highest among the groups gnomAD compares: South Asian, 0.0023%; no homozygotes.

Submission:

Labcorp Genetics (formerly Invitae), Labcorp
Classification: Uncertain significance. Last evaluated: 2025-10-02. Review status: criteria provided, single submitter. Criteria: Invitae Variant Classification Sherloc (09022015). Collection method: clinical testing. Allele origin: germline.
Comment: This sequence change replaces tyrosine, which is neutral and polar, with cysteine, which is neutral and slightly polar, at codon 1765 of the MYO18B protein (p.Tyr1765Cys). The frequency data for this variant in the population databases is considered unreliable, as metrics indicate poor data quality at this position in the gnomAD database. This variant has not been reported in the literature in individuals affected with MYO18B-related conditions. ClinVar contains an entry for this variant (Variation ID: 2192661). An algorithm developed to predict the effect of missense changes on protein structure and function (PolyPhen-2) suggests that this variant is likely to be disruptive. In summary, the available evidence is currently insufficient to determine the role of this variant in disease. Therefore, it has been classified as a Variant of Uncertain Significance.